The following is an entry in ClinVar:

NM_139321.3(ATRN):c.3301A>T (p.Thr1101Ser)

Gene: ATRN (attractin; plus strand). Cytogenetic location: 20p13.
Variant type: single nucleotide variant.
Coding change: c.3301A>T on transcript NM_139321.3 (MANE Select); coding-DNA position 3301, A replaced by T.
Protein change: p.Thr1101Ser; replaces threonine 1101 with serine.
Molecular consequence: missense variant.
Genome position (GRCh38, 1-based): chr20:3,591,285, A>T. VCF-style: chr20-3591285-A-T. GRCh37 (hg19) VCF-style: chr20-3571932-A-T.
Other names: c.2953A>T, p.Thr985Ser (NM_001207047.3); c.3301A>T, p.Thr1101Ser (NM_001323332.2, NM_139322.4); short protein forms T1101S, T985S.
Identifiers: ClinVar variation 1947086 (VCV001947086.5), dbSNP rs2514596117, ClinGen allele CA408100212.

ClinVar aggregate classification (germline): Uncertain significance (1 of 4 stars; one submission).

Submission:

Labcorp Genetics (formerly Invitae), Labcorp
Classification: Uncertain significance. Last evaluated: 2022-09-20. Review status: criteria provided, single submitter. Criteria: Invitae Variant Classification Sherloc (09022015). Collection method: clinical testing. Allele origin: germline.
Comment: Algorithms developed to predict the effect of missense changes on protein structure and function (SIFT, PolyPhen-2, Align-GVGD) all suggest that this variant is likely to be disruptive. In summary, the available evidence is currently insufficient to determine the role of this variant in disease. Therefore, it has been classified as a Variant of Uncertain Significance. This variant has not been reported in the literature in individuals affected with ATRN-related conditions. This variant is not present in population databases (gnomAD no frequency). This sequence change replaces threonine, which is neutral and polar, with serine, which is neutral and polar, at codon 1101 of the ATRN protein (p.Thr1101Ser).